The following is an entry in ClinVar:

NM_004006.3(DMD):c.5675G>A (p.Cys1892Tyr)

Gene: DMD (dystrophin; minus strand). Cytogenetic location: Xp21.1.
Variant type: single nucleotide variant.
Coding change: c.5675G>A on transcript NM_004006.3 (MANE Select); coding-DNA position 5675, G replaced by A.
Protein change: p.Cys1892Tyr; replaces cysteine 1892 with tyrosine.
Molecular consequence: missense variant.
Genome position (GRCh38, 1-based): chrX:32,343,198, C>T on the plus strand (G>A on the coding strand, the complement: DMD is on the minus strand). VCF-style: chrX-32343198-C-T. GRCh37 (hg19) VCF-style: chrX-32361315-C-T.
Other names: p.C1892Y:TGC>TAC; c.5651G>A, p.Cys1884Tyr (NM_000109.4); c.5663G>A, p.Cys1888Tyr (NM_004009.3); c.5306G>A, p.Cys1769Tyr (NM_004010.3); c.1652G>A, p.Cys551Tyr (NM_004011.4); c.1643G>A, p.Cys548Tyr (NM_004012.4); short protein forms C1892Y, C1884Y, C1888Y, C548Y, C551Y, C1769Y.
Identifiers: ClinVar variation 201751 (VCV000201751.20), dbSNP rs137898199, ClinGen allele CA308400.

ClinVar aggregate classification (germline): Conflicting classifications of pathogenicity. Review status: criteria provided, conflicting classifications (1 of 4 stars). 8 submissions from 8 submitters: Uncertain significance (4); Likely benign (3). 1 of the submissions does not count toward it. Last evaluated 2026-06-01.

Conditions:
Dystrophin deficiency.
Cardiovascular phenotype. Identifiers: MedGen CN230736.
Duchenne muscular dystrophy (DMD). Also called: Duchenne Muscular Dystrophy (DMD); MUSCULAR DYSTROPHY, PSEUDOHYPERTROPHIC PROGRESSIVE, DUCHENNE TYPE. Identifiers: Orphanet 98896, MedGen C0013264, MONDO:0010679, OMIM 310200.

Allele frequency attached by ClinVar (database versions not stated): ExAC 0.00002; TOPMed 0.00006; gnomAD exomes 0.00002 and 0.00001; gnomAD 0.00007; ESP Exome Variant Server 0.00009.
gnomAD v4.1: 30 of 1,207,834 alleles (0.0025%); highest among the groups gnomAD compares: African/African-American, 0.033%; no homozygotes.

Submissions (8):

CeGaT Center for Human Genetics Tuebingen
Classification: Likely benign. Last evaluated: 2026-06-01. Review status: criteria provided, single submitter. Criteria: CeGaT Center For Human Genetics Tuebingen Variant Classification Criteria Version 2. Collection method: clinical testing. Allele origin: germline. Affected: yes. Observed: 1 variant allele.
Comment: DMD: BS2

Labcorp Genetics (formerly Invitae), Labcorp
Classification: Likely benign for Duchenne muscular dystrophy. Last evaluated: 2026-01-14. Review status: criteria provided, single submitter. Criteria: Invitae Variant Classification Sherloc (09022015). Collection method: clinical testing. Allele origin: germline.

Ambry Genetics
Classification: Likely benign for Cardiovascular phenotype. Last evaluated: 2025-05-31. Review status: criteria provided, single submitter. Criteria: Ambry Variant Classification Scheme 2023. Collection method: clinical testing. Allele origin: germline.

Revvity Omics, Revvity
Classification: Uncertain significance. Last evaluated: 2025-05-08. Review status: criteria provided, single submitter. Criteria: ACMG Guidelines, 2015. Collection method: clinical testing. Allele origin: germline.

Women's Health and Genetics/Laboratory Corporation of America, LabCorp
Classification: Uncertain significance. Last evaluated: 2025-04-14. Review status: criteria provided, single submitter. Criteria: LabCorp Variant Classification Summary - May 2015. Collection method: clinical testing. Allele origin: germline.

Blueprint Genetics
Classification: Uncertain significance. Last evaluated: 2024-01-12. Review status: criteria provided, single submitter. Criteria: ACMG Guidelines, 2015. Collection method: clinical testing. Allele origin: germline.

GeneDx
Classification: Uncertain significance. Last evaluated: 2015-11-03. Review status: criteria provided, single submitter. Criteria: GeneDx Variant Classification (06012015). Collection method: clinical testing. Allele origin: germline. Affected: yes.
Comment: p.Cys1892Tyr (TGC>TAC): c.5675 G>A in exon 40 of the DMD gene (NM_004006.2). A variant of unknown significance has been identified in the DMD gene. The C1892Y variant has not been published as a mutation or as a benign polymorphism to our knowledge. The C1892Y variant was not observed with any significant frequency in approximately 6,500 individuals of European and African American ancestry in the NHLBI Exome Sequencing Project. The C1892Y variant is a non-conservative amino acid substitution, which is likely to impact secondary protein structure as these residues differ in polarity, charge, size and/or other properties. This substitution occurs at a position that is conserved in mammals. In silico analysis is inconsistent in its predictions as to whether or not the variant is damaging to the protein structure/function. Nevertheless, no missense mutations in nearby residues have been reported in association with DMD-related disorders, indicating this region of the protein may be tolerant of change. Therefore, based on the currently available information, it is unclear whether this variant is a pathogenic mutation or a rare benign variant. The variant is found in CARDIOMYOPATHY panel(s).

Natera, Inc.
Classification: Uncertain significance for Dystrophin deficiency. Last evaluated: 2020-09-16. Review status: no assertion criteria provided. Collection method: clinical testing. Allele origin: germline. Not counted in ClinVar's aggregate classification.

Literature cited by the submitters: PubMed 24123366 (cited by Ambry Genetics).